The following is an entry in ClinVar:

ClinVar aggregate classification (germline): Pathogenic/Likely pathogenic. Review status: criteria provided, multiple submitters, no conflicts (2 of 4 stars). 2 submissions from 2 submitters: Pathogenic (1); Likely pathogenic (1). Last evaluated 2023-04-22.

Allele frequency attached by ClinVar (database versions not stated): TOPMed below 0.00001; gnomAD exomes 0.00001.
gnomAD v4.1: 8 of 1,614,104 alleles (0.0005%); highest among the groups gnomAD compares: Non-Finnish European, 0.00059%; no homozygotes.

Submissions (2):

Labcorp Genetics (formerly Invitae), Labcorp
Classification: Pathogenic. Last evaluated: 2023-04-22. Review status: criteria provided, single submitter. Criteria: Invitae Variant Classification Sherloc (09022015). Collection method: clinical testing. Allele origin: germline.
Comment: For these reasons, this variant has been classified as Pathogenic. ClinVar contains an entry for this variant (Variation ID: 1412497). This premature translational stop signal has been observed in individual(s) with restrictive dermopathy (PMID: 21108632). This variant is not present in population databases (gnomAD no frequency). This sequence change creates a premature translational stop signal (p.Trp340*) in the ZMPSTE24 gene. It is expected to result in an absent or disrupted protein product. Loss-of-function variants in ZMPSTE24 are known to be pathogenic (PMID: 22718200, 24169522).

Revvity Omics, Revvity
Classification: Likely pathogenic. Last evaluated: 2022-08-01. Review status: criteria provided, single submitter. Criteria: ACMG Guidelines, 2015. Collection method: clinical testing. Allele origin: germline.

Literature cited by the submitters: PubMed 21108632 (cited by Labcorp Genetics (formerly Invitae), Labcorp); PubMed 22718200 (cited by Labcorp Genetics (formerly Invitae), Labcorp); PubMed 24169522 (cited by Labcorp Genetics (formerly Invitae), Labcorp).

NM_005857.5(ZMPSTE24):c.1019G>A (p.Trp340Ter)

Gene: ZMPSTE24 (zinc metallopeptidase STE24; plus strand). Cytogenetic location: 1p34.2.
Variant type: single nucleotide variant.
Coding change: c.1019G>A on transcript NM_005857.5 (MANE Select); coding-DNA position 1019, G replaced by A.
Protein change: p.Trp340Ter; replaces tryptophan 340 with a stop codon.
Molecular consequence: nonsense.
Genome position (GRCh38, 1-based): chr1:40,285,989, G>A. VCF-style: chr1-40285989-G-A. GRCh37 (hg19) VCF-style: chr1-40751661-G-A.
Other names: short protein forms W340*.
Identifiers: ClinVar variation 1412497 (VCV001412497.10), dbSNP rs1402953071, ClinGen allele CA339871726.